The following is an entry in ClinVar:

ClinVar aggregate classification (germline): Uncertain significance. Review status: criteria provided, multiple submitters, no conflicts (2 of 4 stars). 9 submissions from 9 submitters: Uncertain significance (8). 1 of the submissions does not count toward it. Last evaluated 2026-04-17.

Conditions:
Cardiovascular phenotype. Identifiers: MedGen CN230736.
Cardiomyopathy (CMYO). Also called: Cardiomyopathies. Identifiers: Orphanet 167848, MedGen C0878544, MONDO:0004994, HP:0001638. Inheritance: Various modes of inheritance.
Dilated cardiomyopathy 1S (CMD1S). Identifiers: Orphanet 154, Orphanet 54260, MedGen C1834481, MONDO:0013262, OMIM 613426.
Hypertrophic cardiomyopathy. Also called: HYPERTROPHIC MYOCARDIOPATHY. Identifiers: Orphanet 217569, MedGen C0007194, MeSH D002312, MONDO:0005045, HP:0001639.

Allele frequency attached by ClinVar (database versions not stated): gnomAD exomes 0.00001; TOPMed 0.00001; gnomAD 0.00002; ESP Exome Variant Server 0.00008.
gnomAD v4.1: 14 of 1,614,036 alleles (0.00087%); highest among the groups gnomAD compares: Non-Finnish European, 0.00076%; no homozygotes.

Submissions (9):

Ambry Genetics
Classification: Uncertain significance for Cardiovascular phenotype. Last evaluated: 2026-04-17. Review status: criteria provided, single submitter. Criteria: Ambry Variant Classification Scheme 2023. Collection method: clinical testing. Allele origin: germline.
Comment: The p.R1699Q variant (also known as c.5096G>A), located in coding exon 33 of the MYH7 gene, results from a G to A substitution at nucleotide position 5096. The arginine at codon 1699 is replaced by glutamine, an amino acid with highly similar properties. This variant was reported in a dilated cardiomyopathy cohort; however, details were limited (Ramchand J et al. J Am Heart Assoc, 2020 Jan;9:e013346). This amino acid position is highly conserved in available vertebrate species. In addition, this alteration is predicted to be deleterious by in silico analysis. Based on the available evidence, the clinical significance of this variant remains unclear.

Dasa
Classification: Uncertain significance for Dilated cardiomyopathy 1S. Last evaluated: 2025-12-04. Review status: criteria provided, single submitter. Criteria: DASA Assertion Criteria. Collection method: clinical testing. Allele origin: germline.
Comment: NM_000257.4(MYH7):c.5096G>A (p.Arg1699Gln) is a missense variant that results in the substitution of arginine with glutamine. This variant is rare in population databases. Computational prediction algorithms are consistent with a deleterious effect. The currently available literature and clinical evidence are not sufficient to establish a definitive association between this variant and the reported condition. Therefore, this variant is classified as a variant of uncertain significance.

Color Diagnostics, LLC DBA Color Health
Classification: Uncertain significance for Cardiomyopathy. Last evaluated: 2025-03-10. Review status: criteria provided, single submitter. Criteria: ACMG Guidelines, 2015. Collection method: clinical testing. Allele origin: germline.
Comment: This missense variant replaces arginine with glutamine at codon 1699 of the MYH7 protein. Computational prediction suggests that this variant may have a deleterious impact on protein structure and function. To our knowledge, functional studies have not been reported for this variant. This variant has been reported in an individual affected with dilated cardiomyopathy (PMID: 31931689). This variant has been identified in 3/282604 chromosomes in the general population by the Genome Aggregation Database (gnomAD). The available evidence is insufficient to determine the role of this variant in disease conclusively. Therefore, this variant is classified as a Variant of Uncertain Significance.

All of Us Research Program, National Institutes of Health
Classification: Uncertain significance for Cardiomyopathy. Last evaluated: 2024-04-25. Review status: criteria provided, single submitter. Criteria: ACMG Guidelines, 2015. Collection method: clinical testing. Allele origin: germline. Inheritance: Autosomal dominant inheritance. Observed: 1 variant allele, 1 heterozygote.
Comment: This missense variant replaces arginine with glutamine at codon 1699 of the MYH7 protein. Computational prediction tools indicate that this variant has a deleterious impact on protein structure and function. To our knowledge, functional studies have not been reported for this variant. This variant has been reported in one individual affected with dilated cardiomyopathy (PMID: 31931689). This variant has been identified in 3/282604 chromosomes in the general population by the Genome Aggregation Database (gnomAD). The available evidence is insufficient to determine the role of this variant in disease conclusively. Therefore, this variant is classified as a Variant of Uncertain Significance.

This study involves interpretation of variants in research participants for the purpose of population health screening. Participant phenotype was not available at the time of variant classification. Additional details can be found in publication PMID: 35346344, PMCID: PMC8962531

Labcorp Genetics (formerly Invitae), Labcorp
Classification: Uncertain significance for Hypertrophic cardiomyopathy. Last evaluated: 2024-01-28. Review status: criteria provided, single submitter. Criteria: Invitae Variant Classification Sherloc (09022015). Collection method: clinical testing. Allele origin: germline.
Comment: This sequence change replaces arginine, which is basic and polar, with glutamine, which is neutral and polar, at codon 1699 of the MYH7 protein (p.Arg1699Gln). This variant is present in population databases (rs146778113, gnomAD 0.01%). This missense change has been observed in individual(s) with dilated cardiomyopathy (PMID: 31931689; Invitae). ClinVar contains an entry for this variant (Variation ID: 164276). Advanced modeling of protein sequence and biophysical properties (such as structural, functional, and spatial information, amino acid conservation, physicochemical variation, residue mobility, and thermodynamic stability) performed at Invitae indicates that this missense variant is expected to disrupt MYH7 protein function with a positive predictive value of 95%. In summary, the available evidence is currently insufficient to determine the role of this variant in disease. Therefore, it has been classified as a Variant of Uncertain Significance.

Victorian Clinical Genetics Services, Murdoch Childrens Research Institute
Classification: Uncertain significance for Dilated cardiomyopathy 1S. Last evaluated: 2023-07-17. Review status: criteria provided, single submitter. Criteria: ACMG Guidelines, 2015. Collection method: clinical testing. Allele origin: germline. Inheritance: Autosomal dominant inheritance. Affected: yes.
Comment: Based on the classification scheme VCGS_Germline_v1.3.4, this variant is classified as VUS-3A. Following criteria are met: 0105 - The mechanism of disease for this gene is not clearly established; however, missense variants have been proposed to act in a dominant negative manner (PMID: 24714796). (I) 0108 - This gene is associated with both recessive and dominant disease. Pathogenic variants in this gene are usually heterozygous; however, a recessive inheritance pattern has been observed in severe cases (OMIM). (I) 0112 - The condition associated with this gene has incomplete penetrance (PMID: 29300372). (I) 0200 - Variant is predicted to result in a missense amino acid change from arginine to glutamine. (I) 0251 - This variant is heterozygous. (I) 0304 - Variant is present in gnomAD <0.01 (v2 & v3: 5 heterozygotes, 0 homozygotes). (SP) 0501 - Missense variant consistently predicted to be damaging by multiple in silico tools or highly conserved with a major amino acid change. (SP) 0600 - Variant is located in the annotated myosin tail 1 domain (DECIPHER). (I) 0705 - No comparable missense variants have previous evidence for pathogenicity. p.(Arg1699Trp) has been reported in a publication, however it is unclear whether the variant was identified in an affected individual (PMID: 27247418). (I) 0809 - Previous evidence of pathogenicity for this variant is inconclusive. It has been reported as a VUS by multiple clinical testing laboratories, including in three individuals with dilated cardiomyopathy or cardiomyopathy, and one child with possible viral carditis and clinical diagnosis of infant onset DCM and ASD in whom the variant was inherited from the mother who was unaffected at the time of testing (VCGS, ClinVar, email communication). It has also been identified by a clinical testing laboratory in another unaffected individual (ClinVar, email communication). In addition, it has been reported as "disease-related" however, this conclusion is based on computational tools only (PMID: 23403236). (I) 0905 - No published segregation evidence has been identified for this variant. (I) 1007 - No published functional evidence has been identified for this variant. (I) 1208 - Inheritance information for this variant is not currently available in this individual. (I) Legend: (SP) - Supporting pathogenic, (I) - Information, (SB) - Supporting benign

Blueprint Genetics
Classification: Uncertain significance. Last evaluated: 2021-07-07. Review status: criteria provided, single submitter. Criteria: ACMG Guidelines, 2015. Collection method: clinical testing. Allele origin: germline.

Laboratory for Molecular Medicine, Mass General Brigham Personalized Medicine
Classification: Uncertain significance. Last evaluated: 2013-12-26. Review status: criteria provided, single submitter. Criteria: LMM Criteria. Collection method: clinical testing. Allele origin: germline. Observed: 2 variant alleles.
Comment: The Arg1699Gln variant in MYH7 has not been reported in individuals with cardiom yopathy, but has been identified in 1/8600 European American chromosomes by the NHLBI Exome Sequencing Project (dbSNP rs14778 113). This variant was predicted to be pathogenic using a computational tool cli nically validated by our laboratory. This tool's pathogenic prediction is estima ted to be correct 94% of the time (Jordan 2011). Additional computational analys es (biochemical amino acid properties, conservation, PolyPhen2, and SIFT) sugges t that this variant may impact the protein, though this information is not predi ctive enough to determine pathogenicity. In summary, additional information is n eeded to fully assess the clinical significance of the Arg1699Gln variant.

Biochemical Molecular Genetic Laboratory, King Abdulaziz Medical City
Classification: Uncertain significance for Dilated cardiomyopathy 1S. Last evaluated: 2019-01-29. Review status: no assertion criteria provided. Collection method: clinical testing. Allele origin: germline. Affected: yes. Not counted in ClinVar's aggregate classification.

Literature cited by the submitters: PubMed 31931689 (cited by 4 submitters); PubMed 23403236 (cited by Victorian Clinical Genetics Services, Murdoch Childrens Research Institute); PubMed 24714796 (cited by Victorian Clinical Genetics Services, Murdoch Childrens Research Institute); PubMed 27247418 (cited by Victorian Clinical Genetics Services, Murdoch Childrens Research Institute); PubMed 29300372 (cited by Victorian Clinical Genetics Services, Murdoch Childrens Research Institute).

NM_000257.4(MYH7):c.5096G>A (p.Arg1699Gln)

Genes: MHRT (myosin heavy chain associated RNA transcript; plus strand), MYH7 (myosin heavy chain 7; minus strand), LOC126861897 (BRD4-independent group 4 enhancer GRCh37_chr14:23884455-23885654; plus strand). Cytogenetic location: 14q11.2.
Variant type: single nucleotide variant.
Coding change: c.5096G>A on transcript NM_000257.4 (MANE Select); coding-DNA position 5096, G replaced by A.
Protein change: p.Arg1699Gln; replaces arginine 1699 with glutamine.
Molecular consequence: missense variant. On other transcripts: non-coding transcript variant (1).
Genome position (GRCh38, 1-based): chr14:23,415,690, C>T on the plus strand (G>A on the coding strand, the complement: MYH7 is on the minus strand). VCF-style: chr14-23415690-C-T. GRCh37 (hg19) VCF-style: chr14-23884899-C-T.
Other names: short protein forms R1699Q.
Identifiers: ClinVar variation 164276 (VCV000164276.22), dbSNP rs146778113, ClinGen allele CA015666.
Genomic context (GRCh38, chr14:23,415,690, plus strand): 5'-TGGGAATGCAGCAGCTGCACCCGCTCACTAGTCTCAATCAGCTCCTGCTCCGCCAGCTTC[C>T]GGGACCGCTCTGTCTGCTCCACCACGGCACGCAACTCCTCCAGCTCAGCCTGCAGCAGGT-3'
Protein context (NP_000248.2, residues 1689-1709): RAVVEQTERS[Arg1699Gln]KLAEQELIET